The following is an entry in ClinVar:

NM_001330691.3(CEP78):c.779-8A>G

Gene: CEP78 (centrosomal protein 78; plus strand). Cytogenetic location: 9q21.2.
Variant type: single nucleotide variant.
Coding change: c.779-8A>G on transcript NM_001330691.3 (MANE Select); 8 bases into the intron before coding-DNA position 779, A replaced by G.
Molecular consequence: intron variant.
Genome position (GRCh38, 1-based): chr9:78,246,661, A>G. VCF-style: chr9-78246661-A-G. GRCh37 (hg19) VCF-style: chr9-80861577-A-G.
Other names: c.779-8A>G (NM_001098802.1, NM_001349839.2, NM_001349840.2 and 5 more transcripts).
Identifiers: ClinVar variation 1299147 (VCV001299147.42), dbSNP rs1040280976, ClinGen allele CA5095025.
Genomic context (GRCh38, chr9:78,246,661, plus strand): 5'-AAAAAACAAACAAACAAACAAAAAATCTGTATAGAATTAGCAAGTGACCCTTTGTCTTTC[A>G]TCGAAAGCTCTTGACCTGCAACAGTGCGGCCTCACCAATGAAGGAGCAAAGGCTTTGCTA-3'

ClinVar aggregate classification (germline): Conflicting classifications of pathogenicity. Review status: criteria provided, conflicting classifications (1 of 4 stars). 4 submissions from 4 submitters: Uncertain significance (1); Likely benign (3). Last evaluated 2026-09-22.

Conditions:
CEP78-related disorder. Also called: CEP78-related condition.

Allele frequency attached by ClinVar (database versions not stated): TOPMed below 0.00001; ExAC 0.00001.
gnomAD v4.1: 7 of 1,562,670 alleles (0.00045%); highest among the groups gnomAD compares: Admixed American, 0.002%; no homozygotes.

Submissions (4):

PreventionGenetics, part of Exact Sciences
Classification: Likely benign for CEP78-related condition. Last evaluated: 2026-09-22. Review status: criteria provided, single submitter. Criteria: ACMG Guidelines, 2015. Collection method: clinical testing. Allele origin: germline.
Comment: This variant is classified as likely benign based on ACMG/AMP sequence variant interpretation guidelines (Richards et al. 2015 PMID: 25741868, with internal and published modifications).

Labcorp Genetics (formerly Invitae), Labcorp
Classification: Likely benign. Last evaluated: 2025-10-02. Review status: criteria provided, single submitter. Criteria: Invitae Variant Classification Sherloc (09022015). Collection method: clinical testing. Allele origin: germline.

Blueprint Genetics
Classification: Likely benign. Last evaluated: 2024-02-26. Review status: criteria provided, single submitter. Criteria: ACMG Guidelines, 2015. Collection method: clinical testing. Allele origin: germline.

CeGaT Center for Human Genetics Tuebingen
Classification: Uncertain significance. Last evaluated: 2021-09-01. Review status: criteria provided, single submitter. Criteria: CeGaT Center For Human Genetics Tuebingen Variant Classification Criteria Version 2. Collection method: clinical testing. Allele origin: germline. Affected: yes. Observed: 1 variant allele.